The following is an entry in ClinVar:

NM_000051.4(ATM):c.8972G>T (p.Cys2991Phe)

Genes: ATM (ATM serine/threonine kinase; plus strand), C11orf65 (chromosome 11 open reading frame 65; minus strand). Cytogenetic location: 11q22.3.
Variant type: single nucleotide variant.
Coding change: c.8972G>T on transcript NM_000051.4 (MANE Select); coding-DNA position 8972, G replaced by T.
Protein change: p.Cys2991Phe; replaces cysteine 2991 with phenylalanine.
Molecular consequence: missense variant. On other transcripts: intron variant (2).
Genome position (GRCh38, 1-based): chr11:108,365,203, G>T. VCF-style: chr11-108365203-G-T. GRCh37 (hg19) VCF-style: chr11-108235930-G-T.
Other names: c.8972G>T, p.Cys2991Phe (NM_001351834.2); c.640+20717C>A (NM_001330368.2); c.694+20717C>A (NM_001351110.2); short protein forms C2991F.
Identifiers: ClinVar variation 490752 (VCV000490752.6), dbSNP rs1555151500, ClinGen allele CA382530386.

ClinVar aggregate classification (germline): Uncertain significance (1 of 4 stars; one submission).

Conditions:
Hereditary cancer-predisposing syndrome. Also called: Hereditary Cancer Syndrome; Neoplastic Syndromes, Hereditary; Tumor predisposition; Hereditary neoplastic syndrome. Identifiers: Orphanet 140162, MedGen C0027672, MeSH D009386, MONDO:0015356.

Submission:

Color Diagnostics, LLC DBA Color Health
Classification: Uncertain significance for Hereditary cancer-predisposing syndrome. Last evaluated: 2023-12-05. Review status: criteria provided, single submitter. Criteria: ACMG Guidelines, 2015. Collection method: clinical testing. Allele origin: germline.
Comment: This missense variant replaces cysteine with phenylalanine at codon 2991 of the ATM protein. Computational prediction suggests that this variant may not impact protein structure and function (internally defined REVEL score threshold <= 0.5, PMID: 27666373). To our knowledge, functional studies have not been reported for this variant. This variant has not been reported in individuals affected with ATM-related disorders in the literature. This variant has not been identified in the general population by the Genome Aggregation Database (gnomAD). The available evidence is insufficient to determine the role of this variant in disease conclusively. Therefore, this variant is classified as a Variant of Uncertain Significance.